The following is an entry in ClinVar:

NM_206937.2(LIG4):c.1532C>G (p.Thr511Ser)

Gene: LIG4 (DNA ligase 4; minus strand). Cytogenetic location: 13q33.3.
Variant type: single nucleotide variant.
Coding change: c.1532C>G on transcript NM_206937.2 (MANE Select); coding-DNA position 1532, C replaced by G.
Protein change: p.Thr511Ser; replaces threonine 511 with serine.
Molecular consequence: missense variant.
Genome position (GRCh38, 1-based): chr13:108,209,737, G>C on the plus strand (C>G on the coding strand, the complement: LIG4 is on the minus strand). VCF-style: chr13-108209737-G-C. GRCh37 (hg19) VCF-style: chr13-108862085-G-C.
Other names: c.1532C>G, p.Thr511Ser (NM_002312.3, NM_001098268.2, NM_001352598.2 and 6 more transcripts); c.1331C>G, p.Thr444Ser (NM_001330595.2); c.1568C>G, p.Thr523Ser (NM_001352604.2); short protein forms T444S, T511S, T523S.
Identifiers: ClinVar variation 962448 (VCV000962448.8), dbSNP rs377661143, ClinGen allele CA7043670.

ClinVar aggregate classification (germline): Uncertain significance (1 of 4 stars; one submission).

Conditions:
DNA ligase IV deficiency. Identifiers: Orphanet 99812, MedGen C1847827, MONDO:0011686, OMIM 606593.

Allele frequency attached by ClinVar (database versions not stated): gnomAD 0.00001; gnomAD exomes 0.00002; ESP Exome Variant Server 0.00008.
gnomAD v4.1: 25 of 1,613,790 alleles (0.0015%); highest among the groups gnomAD compares: Non-Finnish European, 0.0021%; no homozygotes.

Submission:

Labcorp Genetics (formerly Invitae), Labcorp
Classification: Uncertain significance for DNA ligase IV deficiency. Last evaluated: 2022-02-04. Review status: criteria provided, single submitter. Criteria: Invitae Variant Classification Sherloc (09022015). Collection method: clinical testing. Allele origin: germline.
Comment: In summary, the available evidence is currently insufficient to determine the role of this variant in disease. Therefore, it has been classified as a Variant of Uncertain Significance. Algorithms developed to predict the effect of sequence changes on RNA splicing suggest that this variant may create or strengthen a splice site. Algorithms developed to predict the effect of missense changes on protein structure and function (SIFT, PolyPhen-2, Align-GVGD) all suggest that this variant is likely to be tolerated. ClinVar contains an entry for this variant (Variation ID: 962448). This variant has not been reported in the literature in individuals affected with LIG4-related conditions. This variant is present in population databases (rs377661143, gnomAD 0.0009%). This sequence change replaces threonine, which is neutral and polar, with serine, which is neutral and polar, at codon 511 of the LIG4 protein (p.Thr511Ser).